The following is an entry in ClinVar:

NM_003839.4(TNFRSF11A):c.896T>C (p.Met299Thr)

Gene: TNFRSF11A (TNF receptor superfamily member 11a; plus strand). Cytogenetic location: 18q21.33.
Variant type: single nucleotide variant.
Coding change: c.896T>C on transcript NM_003839.4 (MANE Select); coding-DNA position 896, T replaced by C.
Protein change: p.Met299Thr; replaces methionine 299 with threonine.
Molecular consequence: missense variant. On other transcripts: intron variant (3).
Genome position (GRCh38, 1-based): chr18:62,368,813, T>C. VCF-style: chr18-62368813-T-C. GRCh37 (hg19) VCF-style: chr18-60036046-T-C.
Other names: c.854T>C, p.Met285Thr (NM_001278268.2); c.783+2053T>C (NM_001270949.2); c.730+7020T>C (NM_001270950.2); c.616+8764T>C (NM_001270951.2); short protein forms M285T, M299T.
Identifiers: ClinVar variation 1351904 (VCV001351904.8), dbSNP rs370984926, ClinGen allele CA8983885.

ClinVar aggregate classification (germline): Uncertain significance (1 of 4 stars; one submission).

Allele frequency attached by ClinVar (database versions not stated): TOPMed below 0.00001; ExAC 0.00002; gnomAD exomes 0.00002 and 0.00008; ESP Exome Variant Server 0.00015.
gnomAD v4.1: 117 of 1,614,236 alleles (0.0072%); highest among the groups gnomAD compares: Non-Finnish European, 0.0097%; no homozygotes.

Submission:

Labcorp Genetics (formerly Invitae), Labcorp
Classification: Uncertain significance. Last evaluated: 2024-10-21. Review status: criteria provided, single submitter. Criteria: Invitae Variant Classification Sherloc (09022015). Collection method: clinical testing. Allele origin: germline.
Comment: This sequence change replaces methionine, which is neutral and non-polar, with threonine, which is neutral and polar, at codon 299 of the TNFRSF11A protein (p.Met299Thr). This variant is present in population databases (rs370984926, gnomAD 0.004%). This variant has not been reported in the literature in individuals affected with TNFRSF11A-related conditions. ClinVar contains an entry for this variant (Variation ID: 1351904). An algorithm developed to predict the effect of missense changes on protein structure and function outputs the following: PolyPhen-2: "Benign". The threonine amino acid residue is found in multiple mammalian species, which suggests that this missense change does not adversely affect protein function. In summary, the available evidence is currently insufficient to determine the role of this variant in disease. Therefore, it has been classified as a Variant of Uncertain Significance.